The following is an entry in ClinVar:

NM_000492.4(CFTR):c.838G>A (p.Ala280Thr)

Gene: CFTR (CF transmembrane conductance regulator; plus strand). Cytogenetic location: 7q31.2.
Variant type: single nucleotide variant.
Coding change: c.838G>A on transcript NM_000492.4 (MANE Select); coding-DNA position 838, G replaced by A.
Protein change: p.Ala280Thr; replaces alanine 280 with threonine.
Molecular consequence: missense variant.
Genome position (GRCh38, 1-based): chr7:117,536,642, G>A. VCF-style: chr7-117536642-G-A. GRCh37 (hg19) VCF-style: chr7-117176696-G-A.
Other names: short protein forms A280T.
Identifiers: ClinVar variation 1704355 (VCV001704355.3), dbSNP rs749377803, ClinGen allele CA368977522.

ClinVar aggregate classification (germline): Uncertain significance. Review status: criteria provided, multiple submitters, no conflicts (2 of 4 stars). 2 submissions from 2 submitters: Uncertain significance (2). Last evaluated 2022-08-30.

Conditions:
Cystic fibrosis (CF). Also called: MUCOVISCIDOSIS. Identifiers: Orphanet 586, MedGen C0010674, MONDO:0009061, OMIM 219700. Disease mechanism: loss of function.

Submissions (2):

Ambry Genetics
Classification: Uncertain significance for Cystic fibrosis. Last evaluated: 2022-08-30. Review status: criteria provided, single submitter. Criteria: Ambry Variant Classification Scheme 2023. Collection method: clinical testing. Allele origin: germline.
Comment: The p.A280T variant (also known as c.838G>A), located in coding exon 7 of the CFTR gene, results from a G to A substitution at nucleotide position 838. The alanine at codon 280 is replaced by threonine, an amino acid with similar properties. This amino acid position is highly conserved through mammals but not in all available vertebrate species. In addition, the in silico prediction for this alteration is inconclusive. Since supporting evidence is limited at this time, the clinical significance of this alteration remains unclear.

Johns Hopkins Genomics, Johns Hopkins University
Classification: Uncertain significance for Cystic fibrosis. Last evaluated: 2022-06-15. Review status: criteria provided, single submitter. Criteria: ACMG Guidelines, 2015. Collection method: clinical testing. Allele origin: germline.
Comment: This CFTR variant is absent from a large population dataset and has not been reported in ClinVar nor the literature, to our knowledge. Of three bioinformatics tools queried, two predict that the substitution would be damaging while one predicts that it would be tolerated. The alanine residue at this position is evolutionarily conserved across most species assessed except fish. We consider the clinical significance of CFTR c.838G>A to be uncertain at this time.